The following is an entry in ClinVar:

NM_006493.4(CLN5):c.176G>T (p.Arg59Leu)

Gene: CLN5 (CLN5 lysosomal BMP synthase; plus strand). Cytogenetic location: 13q22.3.
Variant type: single nucleotide variant.
Coding change: c.176G>T on transcript NM_006493.4 (MANE Select); coding-DNA position 176, G replaced by T.
Protein change: p.Arg59Leu; replaces arginine 59 with leucine.
Molecular consequence: missense variant.
Genome position (GRCh38, 1-based): chr13:76,995,065, G>T. VCF-style: chr13-76995065-G-T. GRCh37 (hg19) VCF-style: chr13-77569200-G-T.
Other names: c.176G>T, p.Arg59Leu (NM_001366624.2); short protein forms R59L.
Identifiers: ClinVar variation 1508805 (VCV001508805.7), dbSNP rs753197537, ClinGen allele CA388307655.

ClinVar aggregate classification (germline): Uncertain significance (1 of 4 stars; one submission).

Conditions:
Neuronal ceroid lipofuscinosis. Also called: Neuronal Ceroid Lipofuscinoses. Identifiers: Orphanet 216, Orphanet 79263, MedGen C0027877, MONDO:0016295. Disease mechanism: loss of function.

Submission:

Labcorp Genetics (formerly Invitae), Labcorp
Classification: Uncertain significance for Neuronal ceroid lipofuscinosis. Last evaluated: 2024-11-11. Review status: criteria provided, single submitter. Criteria: Invitae Variant Classification Sherloc (09022015). Collection method: clinical testing. Allele origin: germline.
Comment: This sequence change replaces arginine, which is basic and polar, with leucine, which is neutral and non-polar, at codon 108 of the CLN5 protein (p.Arg108Leu). This variant is present in population databases (no rsID available, gnomAD 0.0009%). This variant has not been reported in the literature in individuals affected with CLN5-related conditions. ClinVar contains an entry for this variant (Variation ID: 1508805). An algorithm developed to predict the effect of missense changes on protein structure and function (PolyPhen-2) suggests that this variant is likely to be disruptive. In summary, the available evidence is currently insufficient to determine the role of this variant in disease. Therefore, it has been classified as a Variant of Uncertain Significance.